The following is an entry in ClinVar:

ClinVar aggregate classification (germline): Uncertain significance. Review status: criteria provided, multiple submitters, no conflicts (2 of 4 stars). 3 submissions from 3 submitters: Uncertain significance (3). Last evaluated 2025-12-09.

Conditions:
Brain small vessel disease 1 with or without ocular anomalies (BSVD1). Also called: Brain small vessel disease with or without ocular anomalies; BRAIN SMALL VESSEL DISEASE WITH HEMORRHAGE; PORENCEPHALY, TYPE 1, AUTOSOMAL DOMINANT; GOULD SYNDROME 1. Identifiers: Orphanet 2940, Orphanet 36383, Orphanet 99810, MedGen C4755307, MONDO:0008289, OMIM 175780.
Retinal arterial tortuosity. Also called: Retinal arteries, tortuosity of; RETINAL HEMORRHAGE WITH VASCULAR TORTUOSITY. Identifiers: Orphanet 75326, MedGen C0423401, MONDO:0008373, OMIM 180000, HP:0000631.
Autosomal dominant familial hematuria-retinal arteriolar tortuosity-contractures syndrome. Also called: Angiopathy, hereditary, with nephropathy, aneurysms, and muscle cramps; Hereditary Angiopathy with Nephropathy, Aneurysms, and Muscle Cramps (HANAC) Syndrome. Identifiers: Orphanet 73229, MedGen C2673195, MONDO:0012726, OMIM 611773.
Microangiopathy and leukoencephalopathy, pontine, autosomal dominant. Also called: Pontine autosomal dominant microangiopathy with leukoencephalopathy; DEMENTIA, HEREDITARY MULTI-INFARCT, SWEDISH TYPE. Identifiers: Orphanet 477749, MedGen C5231411, MONDO:0032814, OMIM 618564.
Hemorrhage, intracerebral, susceptibility to (ICH). Also called: Stroke, hemorrhagic, susceptibility to. Identifiers: MedGen C3281105, MONDO:0100533, OMIM 614519.
Inborn genetic diseases. Identifiers: MedGen C0950123, MeSH D030342.

Allele frequency attached by ClinVar (database versions not stated): gnomAD 0.00001; gnomAD exomes 0.00001; TOPMed 0.00001.
gnomAD v4.1: 13 of 1,477,470 alleles (0.00088%); highest among the groups gnomAD compares: East Asian, 0.0029%; no homozygotes.

Submissions (3):

Labcorp Genetics (formerly Invitae), Labcorp
Classification: Uncertain significance. Last evaluated: 2025-12-09. Review status: criteria provided, single submitter. Criteria: Invitae Variant Classification Sherloc (09022015). Collection method: clinical testing. Allele origin: germline.
Comment: This sequence change replaces alanine, which is neutral and non-polar, with valine, which is neutral and non-polar, at codon 15 of the COL4A1 protein (p.Ala15Val). The frequency data for this variant in the population databases is considered unreliable, as metrics indicate poor data quality at this position in the gnomAD database. This variant has not been reported in the literature in individuals affected with COL4A1-related conditions. ClinVar contains an entry for this variant (Variation ID: 2912185). Invitae Evidence Modeling of protein sequence and biophysical properties (such as structural, functional, and spatial information, amino acid conservation, physicochemical variation, residue mobility, and thermodynamic stability) indicates that this missense variant is not expected to disrupt COL4A1 protein function with a negative predictive value of 95%. In summary, the available evidence is currently insufficient to determine the role of this variant in disease. Therefore, it has been classified as a Variant of Uncertain Significance.

Fulgent Genetics
Classification: Uncertain significance for Brain small vessel disease 1 with or without ocular anomalies; Retinal arterial tortuosity; Autosomal dominant familial hematuria-retinal arteriolar tortuosity-contractures syndrome; Hemorrhage, intracerebral, susceptibility to; Microangiopathy and leukoencephalopathy, pontine, autosomal dominant. Last evaluated: 2024-06-17. Review status: criteria provided, single submitter. Criteria: ACMG Guidelines, 2015. Collection method: clinical testing. Allele origin: germline.

Ambry Genetics
Classification: Uncertain significance for Inborn genetic diseases. Last evaluated: 2024-02-12. Review status: criteria provided, single submitter. Criteria: Ambry Variant Classification Scheme 2023. Collection method: clinical testing. Allele origin: germline.

NM_001845.6(COL4A1):c.44C>T (p.Ala15Val)

Gene: COL4A1 (collagen type IV alpha 1 chain; minus strand). Cytogenetic location: 13q34.
Variant type: single nucleotide variant.
Coding change: c.44C>T on transcript NM_001845.6 (MANE Select); coding-DNA position 44, C replaced by T.
Protein change: p.Ala15Val; replaces alanine 15 with valine.
Molecular consequence: missense variant.
Genome position (GRCh38, 1-based): chr13:110,306,984, G>A on the plus strand (C>T on the coding strand, the complement: COL4A1 is on the minus strand). VCF-style: chr13-110306984-G-A. GRCh37 (hg19) VCF-style: chr13-110959331-G-A.
Other names: c.44C>T, p.Ala15Val (NM_001303110.2); c.44C>T (NM_001845.4); short protein forms A15V.
Identifiers: ClinVar variation 2912185 (VCV002912185.5), dbSNP rs1396323313, ClinGen allele CA388732614.
Genomic context (GRCh38, chr13:110,306,984, plus strand): 5'-GGAGCTGGCCGGGAACTCACCTTCGCAGCGGCCCGGCTGTGCTCCTCGTGGAGCAGAAGG[G>A]CGGCGGGCAGCAGCAGCAGCCAGACGCTGAGCCGGGGCCCCATGGTGGCGCGCCCGAGGC-3'
Protein context (NP_001836.3, residues 5-25): LSVWLLLLPA[Ala15Val]LLLHEEHSRA